The following is an entry in ClinVar:

NM_213622.4(STAMBP):c.1180G>A (p.Gly394Arg)

Gene: STAMBP (STAM binding protein; plus strand). Cytogenetic location: 2p13.1.
Variant type: single nucleotide variant.
Coding change: c.1180G>A on transcript NM_213622.4 (MANE Select); coding-DNA position 1180, G replaced by A.
Protein change: p.Gly394Arg; replaces glycine 394 with arginine.
Molecular consequence: missense variant. On other transcripts: non-coding transcript variant (4).
Genome position (GRCh38, 1-based): chr2:73,860,113, G>A. VCF-style: chr2-73860113-G-A. GRCh37 (hg19) VCF-style: chr2-74087240-G-A.
Other names: c.1180G>A, p.Gly394Arg (NM_001353967.2, NM_001353968.2, NM_001353969.2 and 3 more transcripts); c.775G>A, p.Gly259Arg (NM_001353971.2, NM_001353972.2, NM_001353973.2 and 3 more transcripts); short protein forms G259R, G394R.
Identifiers: ClinVar variation 2071603 (VCV002071603.4), dbSNP rs753793924, ClinGen allele CA1717729.

ClinVar aggregate classification (germline): Uncertain significance (1 of 4 stars; one submission).

Allele frequency attached by ClinVar (database versions not stated): ExAC 0.00001; gnomAD exomes below 0.00001.
gnomAD v4.1: 2 of 1,613,956 alleles (0.00012%); highest among the groups gnomAD compares: East Asian, 0.0022%; no homozygotes.

Submission:

Labcorp Genetics (formerly Invitae), Labcorp
Classification: Uncertain significance. Last evaluated: 2022-07-15. Review status: criteria provided, single submitter. Criteria: Invitae Variant Classification Sherloc (09022015). Collection method: clinical testing. Allele origin: germline.
Comment: Algorithms developed to predict the effect of missense changes on protein structure and function are either unavailable or do not agree on the potential impact of this missense change (SIFT: "Tolerated"; PolyPhen-2: "Possibly Damaging"; Align-GVGD: "Class C0"). This sequence change replaces glycine, which is neutral and non-polar, with arginine, which is basic and polar, at codon 394 of the STAMBP protein (p.Gly394Arg). This variant is present in population databases (rs753793924, gnomAD 0.006%). This variant has not been reported in the literature in individuals affected with STAMBP-related conditions. In summary, the available evidence is currently insufficient to determine the role of this variant in disease. Therefore, it has been classified as a Variant of Uncertain Significance.